The following is an entry in ClinVar:

ClinVar aggregate classification (germline): Uncertain significance (1 of 4 stars; one submission).

Conditions:
GFI1B-related disorder. Also called: GFI1B-related condition.

Submission:

PreventionGenetics, part of Exact Sciences
Classification: Uncertain significance for GFI1B-related condition. Last evaluated: 2025-05-22. Review status: criteria provided, single submitter. Criteria: ACMG Guidelines, 2015. Collection method: clinical testing. Allele origin: germline.
Comment: The GFI1B c.494G>T variant is predicted to result in the amino acid substitution p.Cys165Phe. This variant has been reported in a family with macrothrombocytopenia with variable severity (Uchiyama et al. 2018. PubMed ID: 28439885). This variant has not been reported in a large population database (gnomAD), indicating this variant is rare. At this time, the clinical significance of this variant is uncertain due to the absence of conclusive functional and genetic evidence.

NM_001377304.1(GFI1B):c.494G>T (p.Cys165Phe)

Gene: GFI1B (growth factor independent 1B transcriptional repressor; plus strand). Cytogenetic location: 9q34.13.
Variant type: single nucleotide variant.
Coding change: c.494G>T on transcript NM_001377304.1 (MANE Select); coding-DNA position 494, G replaced by T.
Protein change: p.Cys165Phe; replaces cysteine 165 with phenylalanine.
Molecular consequence: missense variant.
Genome position (GRCh38, 1-based): chr9:132,988,452, G>T. VCF-style: chr9-132988452-G-T. GRCh37 (hg19) VCF-style: chr9-135863839-G-T.
Other names: c.494G>T, p.Cys165Phe (NM_001135031.2, NM_001371908.1, NM_001377305.1 and 1 more transcripts); short protein forms C165F.
Identifiers: ClinVar variation 4999943 (VCV004999943.1).